The following is an entry in ClinVar:

ClinVar aggregate classification (germline): Uncertain significance (1 of 4 stars; one submission).

Conditions:
Inborn genetic diseases. Identifiers: MedGen C0950123, MeSH D030342.

gnomAD v4.1: 1 of 1,614,168 alleles (0.000062%); highest among the groups gnomAD compares: Non-Finnish European, 0.000085%; no homozygotes.

Submission:

Ambry Genetics
Classification: Uncertain significance for Inborn genetic diseases. Last evaluated: 2025-05-25. Review status: criteria provided, single submitter. Criteria: Ambry Variant Classification Scheme 2023. Collection method: clinical testing. Allele origin: germline.
Comment: The p.K747T variant (also known as c.2240A>C), located in coding exon 12 of the BMPR2 gene, results from an A to C substitution at nucleotide position 2240. The lysine at codon 747 is replaced by threonine, an amino acid with similar properties. This amino acid position is conserved. In addition, the in silico prediction for this alteration is inconclusive. Based on the available evidence, the clinical significance of this variant remains unclear.

NM_001204.7(BMPR2):c.2240A>C (p.Lys747Thr)

Gene: BMPR2 (bone morphogenetic protein receptor type 2; plus strand). Cytogenetic location: 2q33.2.
Variant type: single nucleotide variant.
Coding change: c.2240A>C on transcript NM_001204.7 (MANE Select); coding-DNA position 2240, A replaced by C.
Protein change: p.Lys747Thr; replaces lysine 747 with threonine.
Molecular consequence: missense variant.
Genome position (GRCh38, 1-based): chr2:202,555,905, A>C. VCF-style: chr2-202555905-A-C. GRCh37 (hg19) VCF-style: chr2-203420628-A-C.
Other names: short protein forms K747T.
Identifiers: ClinVar variation 3992201 (VCV003992201.1).